The following is an entry in ClinVar:

ClinVar aggregate classification (germline): Uncertain significance (0 of 4 stars; one submission).

Conditions:
RMND1-related disorder. Also called: RMND1-related condition.

Allele frequency attached by ClinVar (database versions not stated): gnomAD exomes below 0.00001; TOPMed below 0.00001; ExAC 0.00001; gnomAD 0.00001.
gnomAD v4.1: 2 of 1,611,886 alleles (0.00012%); highest among the groups gnomAD compares: Non-Finnish European, 0.00017%; no homozygotes.

Submission:

PreventionGenetics, part of Exact Sciences
Classification: Uncertain significance for RMND1-related condition. Last evaluated: 2023-12-09. Review status: no assertion criteria provided. Collection method: clinical testing. Allele origin: germline.
Comment: The RMND1 c.761A>G variant is predicted to result in the amino acid substitution p.His254Arg. To our knowledge, this variant has not been reported in the literature. This variant is reported in 0.0016% of alleles in individuals of European (Non-Finnish) descent in gnomAD. Although we suspect that this variant may be pathogenic, at this time, the clinical significance of this variant is uncertain due to the absence of conclusive functional and genetic evidence.

NM_017909.4(RMND1):c.761A>G (p.His254Arg)

Gene: RMND1 (required for meiotic nuclear division 1 homolog; minus strand). Cytogenetic location: 6q25.1.
Variant type: single nucleotide variant.
Coding change: c.761A>G on transcript NM_017909.4 (MANE Select); coding-DNA position 761, A replaced by G.
Protein change: p.His254Arg; replaces histidine 254 with arginine.
Molecular consequence: missense variant.
Genome position (GRCh38, 1-based): chr6:151,427,551, T>C on the plus strand (A>G on the coding strand, the complement: RMND1 is on the minus strand). VCF-style: chr6-151427551-T-C. GRCh37 (hg19) VCF-style: chr6-151748686-T-C.
Other names: c.251A>G, p.His84Arg (NM_001271937.2); short protein forms H254R, H84R.
Identifiers: ClinVar variation 3036527 (VCV003036527.2), dbSNP rs779800042, ClinGen allele CA4050917.